The following is an entry in ClinVar:

NM_139281.3(WDR36):c.1586T>G (p.Ile529Ser)

Gene: WDR36 (WD repeat domain 36; plus strand). Cytogenetic location: 5q22.1.
Variant type: single nucleotide variant.
Coding change: c.1586T>G on transcript NM_139281.3 (MANE Select); coding-DNA position 1586, T replaced by G.
Protein change: p.Ile529Ser; replaces isoleucine 529 with serine.
Molecular consequence: missense variant.
Genome position (GRCh38, 1-based): chr5:111,110,932, T>G. VCF-style: chr5-111110932-T-G. GRCh37 (hg19) VCF-style: chr5-110446631-T-G.
Other names: short protein forms I529S.
Identifiers: ClinVar variation 1422246 (VCV001422246.6), dbSNP rs1020320548, ClinGen allele CA124919404.

ClinVar aggregate classification (germline): Uncertain significance (1 of 4 stars; one submission).

Allele frequency attached by ClinVar (database versions not stated): gnomAD 0.00001 and 0.00002.
gnomAD v4.1: 3 of 1,611,214 alleles (0.00019%); highest among the groups gnomAD compares: Admixed American, 0.0033%; no homozygotes.

Submission:

Labcorp Genetics (formerly Invitae), Labcorp
Classification: Uncertain significance. Last evaluated: 2021-09-23. Review status: criteria provided, single submitter. Criteria: Invitae Variant Classification Sherloc (09022015). Collection method: clinical testing. Allele origin: germline.
Comment: This sequence change replaces isoleucine with serine at codon 585 of the WDR36 protein (p.Ile585Ser). The isoleucine residue is weakly conserved and there is a large physicochemical difference between isoleucine and serine. This variant is not present in population databases (ExAC no frequency). This variant has not been reported in the literature in individuals affected with WDR36-related conditions. Algorithms developed to predict the effect of missense changes on protein structure and function (SIFT, PolyPhen-2, Align-GVGD) all suggest that this variant is likely to be tolerated. Algorithms developed to predict the effect of sequence changes on RNA splicing suggest that this variant may create or strengthen a splice site. In summary, the available evidence is currently insufficient to determine the role of this variant in disease. Therefore, it has been classified as a Variant of Uncertain Significance.